The following is an entry in ClinVar:

ClinVar aggregate classification (germline): Benign/Likely benign. Review status: criteria provided, multiple submitters, no conflicts (2 of 4 stars). 3 submissions from 3 submitters: Benign (1); Likely benign (2). Last evaluated 2026-01-31.

Conditions:
Mucolipidosis type IV (ML4). Also called: ML IV. Identifiers: Orphanet 578, MedGen C0238286, MONDO:0009653, OMIM 252650.

Allele frequency attached by ClinVar (database versions not stated): gnomAD exomes 0.00070 and 0.00163; ExAC 0.00211; 1000 Genomes Project 30x 0.00625; 1000 Genomes Project 0.00639; gnomAD 0.00651 and 0.00709; TOPMed 0.00792; ESP Exome Variant Server 0.00800.
gnomAD v4.1: 2,045 of 1,564,864 alleles (0.13%); highest among the groups gnomAD compares: African/African-American, 2.4%; 23 homozygotes.

Submissions (3):

Labcorp Genetics (formerly Invitae), Labcorp
Classification: Benign for Mucolipidosis type IV. Last evaluated: 2026-01-31. Review status: criteria provided, single submitter. Criteria: Invitae Variant Classification Sherloc (09022015). Collection method: clinical testing. Allele origin: germline.

GeneDx
Classification: Likely benign. Last evaluated: 2020-05-18. Review status: criteria provided, single submitter. Criteria: GeneDx Variant Classification Process June 2021. Collection method: clinical testing. Allele origin: germline. Affected: yes.

Illumina Laboratory Services, Illumina
Classification: Likely benign for Mucolipidosis type IV. Last evaluated: 2018-01-13. Review status: criteria provided, single submitter. Criteria: ICSL Variant Classification Criteria 13 December 2019. Collection method: clinical testing. Allele origin: germline.
Comment: This variant was observed in the ICSL laboratory as part of a predisposition screen in an ostensibly healthy population. It had not been previously curated by ICSL or reported in the Human Gene Mutation Database (HGMD: prior to June 1st, 2018), and was therefore a candidate for classification through an automated scoring system. Utilizing variant allele frequency, disease prevalence and penetrance estimates, and inheritance mode, an automated score was calculated to assess if this variant is too frequent to cause the disease. Based on the score and internal cut-off values, a variant classified as likely benign is not then subjected to further curation. The score for this variant resulted in a classification of likely benign for this disease.

NM_020533.3(MCOLN1):c.680+14A>T

Gene: MCOLN1 (mucolipin TRP cation channel 1; plus strand). Cytogenetic location: 19p13.2.
Variant type: single nucleotide variant.
Coding change: c.680+14A>T on transcript NM_020533.3 (MANE Select); 14 bases into the intron after coding-DNA position 680, A replaced by T.
Molecular consequence: intron variant.
Genome position (GRCh38, 1-based): chr19:7,527,642, A>T. VCF-style: chr19-7527642-A-T. GRCh37 (hg19) VCF-style: chr19-7592528-A-T.
Identifiers: ClinVar variation 894155 (VCV000894155.14), dbSNP rs151281315, ClinGen allele CA9138820.